The following is an entry in ClinVar:

ClinVar aggregate classification (germline): Uncertain significance. Review status: criteria provided, multiple submitters, no conflicts (2 of 4 stars). 2 submissions from 2 submitters: Uncertain significance (2). Last evaluated 2024-03-24.

Allele frequency attached by ClinVar (database versions not stated): ExAC 0.00002; gnomAD exomes 0.00002 and 0.00005; gnomAD 0.00004 and 0.00005; TOPMed 0.00010.
gnomAD v4.1: 43 of 1,614,024 alleles (0.0027%); highest among the groups gnomAD compares: Middle Eastern, 0.033%; no homozygotes.

Submissions (2):

Labcorp Genetics (formerly Invitae), Labcorp
Classification: Uncertain significance. Last evaluated: 2024-03-24. Review status: criteria provided, single submitter. Criteria: Invitae Variant Classification Sherloc (09022015). Collection method: clinical testing. Allele origin: germline.
Comment: This sequence change replaces serine, which is neutral and polar, with arginine, which is basic and polar, at codon 214 of the PODXL protein (p.Ser214Arg). This variant is present in population databases (rs202133369, gnomAD 0.02%). This missense change has been observed in individual(s) with focal segmental glomerulosclerosis (PMID: 24048372). ClinVar contains an entry for this variant (Variation ID: 1367183). Algorithms developed to predict the effect of missense changes on protein structure and function output the following: SIFT: "Not Available"; PolyPhen-2: "Benign"; Align-GVGD: "Not Available". The arginine amino acid residue is found in multiple mammalian species, which suggests that this missense change does not adversely affect protein function. In summary, the available evidence is currently insufficient to determine the role of this variant in disease. Therefore, it has been classified as a Variant of Uncertain Significance.

Revvity Omics, Revvity
Classification: Uncertain significance. Last evaluated: 2020-12-04. Review status: criteria provided, single submitter. Criteria: ACMG Guidelines, 2015. Collection method: clinical testing. Allele origin: germline.

Literature cited by the submitters: PubMed 24048372 (cited by Labcorp Genetics (formerly Invitae), Labcorp).

NM_001018111.3(PODXL):c.642C>A (p.Ser214Arg)

Gene: PODXL (podocalyxin like; minus strand). Cytogenetic location: 7q32.3.
Variant type: single nucleotide variant.
Coding change: c.642C>A on transcript NM_001018111.3 (MANE Select); coding-DNA position 642, C replaced by A.
Protein change: p.Ser214Arg; replaces serine 214 with arginine.
Molecular consequence: missense variant.
Genome position (GRCh38, 1-based): chr7:131,510,892, G>T on the plus strand (C>A on the coding strand, the complement: PODXL is on the minus strand). VCF-style: chr7-131510892-G-T. GRCh37 (hg19) VCF-style: chr7-131195651-G-T.
Other names: c.642C>A, p.Ser214Arg (NM_005397.4); short protein forms S214R.
Identifiers: ClinVar variation 1367183 (VCV001367183.10), dbSNP rs202133369, ClinGen allele CA4488658.